The following is an entry in ClinVar:

NM_003280.3(TNNC1):c.288G>A (p.Glu96=)

Gene: TNNC1 (troponin C1, slow skeletal and cardiac type; minus strand). Cytogenetic location: 3p21.1.
Variant type: single nucleotide variant.
Coding change: c.288G>A on transcript NM_003280.3 (MANE Select); coding-DNA position 288, G replaced by A.
Protein change: p.Glu96=; no amino-acid change (glutamic acid 96 retained).
Molecular consequence: synonymous variant.
Genome position (GRCh38, 1-based): chr3:52,451,773, C>T on the plus strand (G>A on the coding strand, the complement: TNNC1 is on the minus strand). VCF-style: chr3-52451773-C-T. GRCh37 (hg19) VCF-style: chr3-52485789-C-T.
Other names: c.288G>A (LRG_378t1).
Identifiers: ClinVar variation 512253 (VCV000512253.4), dbSNP rs200066743, ClinGen allele CA74775533.
Genomic context (GRCh38, chr3:52,451,773, plus strand): 5'-CAGGGTCAGAGGTCAAGGGTCACGTGCTCACTTGTCAAACATGCGGAAGAGGTCAGACAG[C>T]TCCTCCTCAGATTTCCCTTTGCTGTCGTCCTTCATGCACCGAACCATCATGACCAGGAAC-3'
Protein context (NP_003271.1, residues 86-106): KDDSKGKSEE[Glu96=]LSDLFRMFDK

ClinVar aggregate classification (germline): Likely benign. Review status: criteria provided, multiple submitters, no conflicts (2 of 4 stars). 2 submissions from 2 submitters: Likely benign (2). Last evaluated 2025-10-01.

Conditions:
Dilated cardiomyopathy 1Z (CMD1Z). Identifiers: Orphanet 154, MedGen C2678475, MONDO:0012745, OMIM 611879.
Hypertrophic cardiomyopathy 13. Also called: TNNC1-Related Familial Hypertrophic Cardiomyopathy. Identifiers: MedGen C2750472, MONDO:0013195, OMIM 613243.

Allele frequency attached by ClinVar (database versions not stated): gnomAD exomes 0.00001 and 0.00003; gnomAD 0.00002; TOPMed 0.00002; 1000 Genomes Project 0.00040; 1000 Genomes Project 30x 0.00047.
gnomAD v4.1: 7 of 1,614,114 alleles (0.00043%); highest among the groups gnomAD compares: East Asian, 0.013%; no homozygotes.

Submissions (2):

Labcorp Genetics (formerly Invitae), Labcorp
Classification: Likely benign for Hypertrophic cardiomyopathy 13; Dilated cardiomyopathy 1Z. Last evaluated: 2025-10-01. Review status: criteria provided, single submitter. Criteria: Invitae Variant Classification Sherloc (09022015). Collection method: clinical testing. Allele origin: germline.

GeneDx
Classification: Likely benign. Last evaluated: 2017-09-22. Review status: criteria provided, single submitter. Criteria: GeneDx Variant Classification (06012015). Collection method: clinical testing. Allele origin: germline. Affected: yes.
Comment: This variant is considered likely benign or benign based on one or more of the following criteria: it is a conservative change, it occurs at a poorly conserved position in the protein, it is predicted to be benign by multiple in silico algorithms, and/or has population frequency not consistent with disease.